The following is an entry in ClinVar:

NM_001018113.3(FANCB):c.2411A>G (p.Asp804Gly)

Gene: FANCB (FA complementation group B; minus strand). Cytogenetic location: Xp22.2.
Variant type: single nucleotide variant.
Coding change: c.2411A>G on transcript NM_001018113.3 (MANE Select); coding-DNA position 2411, A replaced by G.
Protein change: p.Asp804Gly; replaces aspartic acid 804 with glycine.
Molecular consequence: missense variant.
Genome position (GRCh38, 1-based): chrX:14,843,736, T>C on the plus strand (A>G on the coding strand, the complement: FANCB is on the minus strand). VCF-style: chrX-14843736-T-C. GRCh37 (hg19) VCF-style: chrX-14861858-T-C.
Other names: c.2411A>G, p.Asp804Gly (NM_001324162.2, NM_152633.4); c.2411A>G (NM_001018113.2); short protein forms D804G.
Identifiers: ClinVar variation 368021 (VCV000368021.17), dbSNP rs148257882, ClinGen allele CA10352915.

ClinVar aggregate classification (germline): Benign/Likely benign. Review status: criteria provided, multiple submitters, no conflicts (2 of 4 stars). 6 submissions from 5 submitters: Benign (3); Likely benign (2). 1 of the submissions does not count toward it. Last evaluated 2025-12-17.

Conditions:
Fanconi anemia (FA). Also called: Fanconi's anemia. Identifiers: Orphanet 84, MedGen C0015625, MeSH D005199, MONDO:0019391.
FANCB-related disorder. Also called: FANCB-related condition.
Inborn genetic diseases. Identifiers: MedGen C0950123, MeSH D030342.
VACTERL association, X-linked, with or without hydrocephalus (VACTERLX). Also called: X-linked VACTERL-H syndrome; VACTERL ASSOCIATION, X-LINKED; VACTERL-H, X-LINKED; VACTERL Association with Hydrocephalus, X-linked. Identifiers: Orphanet 3412, MedGen C2931228, MONDO:0010752, OMIM 314390.
Fanconi anemia complementation group B (FANCB). Also called: FANCONI PANCYTOPENIA, TYPE 2; FANCB-Related Fanconi Anemia. Identifiers: Orphanet 84, MedGen C1845292, MONDO:0010351, OMIM 300514.

Allele frequency attached by ClinVar (database versions not stated): gnomAD exomes 0.00003 and 0.00007; ExAC 0.00007; TOPMed 0.00012; gnomAD 0.00014 and 0.00015; ESP Exome Variant Server 0.00019.
gnomAD v4.1: 57 of 1,209,400 alleles (0.0047%); highest among the groups gnomAD compares: African/African-American, 0.042%; no homozygotes.

Submissions (6):

Labcorp Genetics (formerly Invitae), Labcorp
Classification: Benign for Fanconi anemia. Last evaluated: 2025-12-17. Review status: criteria provided, single submitter. Criteria: Invitae Variant Classification Sherloc (09022015). Collection method: clinical testing. Allele origin: germline.

Ambry Genetics
Classification: Likely benign for Inborn genetic diseases. Last evaluated: 2025-09-10. Review status: criteria provided, single submitter. Criteria: Ambry Variant Classification Scheme 2023. Collection method: clinical testing. Allele origin: germline.

Blueprint Genetics
Classification: Likely benign. Last evaluated: 2023-03-28. Review status: criteria provided, single submitter. Criteria: ACMG Guidelines, 2015. Collection method: clinical testing. Allele origin: germline.

Illumina Laboratory Services, Illumina
Classification: Benign for VACTERL association with hydrocephaly, X-linked. Last evaluated: 2018-01-12. Review status: criteria provided, single submitter. Criteria: ICSL Variant Classification Criteria 13 December 2019. Collection method: clinical testing. Allele origin: germline.
Comment: This variant was observed in the ICSL laboratory as part of a predisposition screen in an ostensibly healthy population. It had not been previously curated by ICSL or reported in the Human Gene Mutation Database (HGMD: prior to June 1st, 2018), and was therefore a candidate for classification through an automated scoring system. Utilizing variant allele frequency, disease prevalence and penetrance estimates, and inheritance mode, an automated score was calculated to assess if this variant is too frequent to cause the disease. Based on the score and internal cut-off values, a variant classified as benign is not then subjected to further curation. The score for this variant resulted in a classification of benign for this disease.

Illumina Laboratory Services, Illumina
Classification: Benign for Fanconi anemia complementation group B. Last evaluated: 2018-01-12. Review status: criteria provided, single submitter. Criteria: ICSL Variant Classification Criteria 13 December 2019. Collection method: clinical testing. Allele origin: germline.
Comment: the same text as in the submission from Illumina Laboratory Services, Illumina above.

PreventionGenetics, part of Exact Sciences
Classification: Likely benign for FANCB-related condition. Last evaluated: 2021-03-02. Review status: no assertion criteria provided. Collection method: clinical testing. Allele origin: germline. Not counted in ClinVar's aggregate classification.
Comment: This variant is classified as likely benign based on ACMG/AMP sequence variant interpretation guidelines (Richards et al. 2015 PMID: 25741868, with internal and published modifications).